The following is an entry in ClinVar:

NM_000038.6(APC):c.7197A>T (p.Lys2399Asn)

Gene: APC (APC regulator of Wnt signaling pathway; plus strand). Cytogenetic location: 5q22.2.
Variant type: single nucleotide variant.
Coding change: c.7197A>T on transcript NM_000038.6 (MANE Select); coding-DNA position 7197, A replaced by T.
Protein change: p.Lys2399Asn; replaces lysine 2399 with asparagine.
Molecular consequence: missense variant.
Genome position (GRCh38, 1-based): chr5:112,842,791, A>T. VCF-style: chr5-112842791-A-T. GRCh37 (hg19) VCF-style: chr5-112178488-A-T.
Other names: c.7122A>T, p.Lys2374Asn (NM_001354898.2); c.7113A>T, p.Lys2371Asn (NM_001354899.2); c.7074A>T, p.Lys2358Asn (NM_001354900.2); c.7020A>T, p.Lys2340Asn (NM_001354901.2); c.6924A>T, p.Lys2308Asn (NM_001354902.2); c.6894A>T, p.Lys2298Asn (NM_001354903.2); c.6819A>T, p.Lys2273Asn (NM_001354904.2); c.6717A>T, p.Lys2239Asn (NM_001354905.2); and 5 more; short protein forms K2116N, K2371N, K2381N, K2399N, K2417N, K2273N, K2340N, K2358N.
Identifiers: ClinVar variation 659188 (VCV000659188.11), dbSNP rs1580679717, ClinGen allele CA16037006.
Genomic context (GRCh38, chr5:112,842,791, plus strand): 5'-CAAACAAACAGGTTTATCCAAGAATGCCAGTAGTATTCCAAGAAGTGAGTCTGCCTCCAA[A>T]GGACTAAATCAGATGAATAATGGTAATGGAGCCAATAAAAAGGTAGAACTTTCTAGAATG-3'
Protein context (NP_000029.2, residues 2389-2409): SSIPRSESAS[Lys2399Asn]GLNQMNNGNG

ClinVar aggregate classification (germline): Uncertain significance. Review status: criteria provided, multiple submitters, no conflicts (2 of 4 stars). 2 submissions from 2 submitters: Uncertain significance (2). Last evaluated 2026-07-24.

Conditions:
Hereditary cancer-predisposing syndrome. Also called: Neoplastic Syndromes, Hereditary; Hereditary Cancer Syndrome; Hereditary neoplastic syndrome; Tumor predisposition. Identifiers: Orphanet 140162, MedGen C0027672, MeSH D009386, MONDO:0015356.
Familial adenomatous polyposis 1 (FAP1). Also called: POLYPOSIS, ADENOMATOUS INTESTINAL; FAMILIAL ADENOMATOUS POLYPOSIS 1, ATTENUATED. Identifiers: MedGen C2713442, MONDO:0021056, OMIM 175100. Disease mechanism: loss of function.

Submissions (2):

Ambry Genetics
Classification: Uncertain significance for Hereditary cancer-predisposing syndrome. Last evaluated: 2026-07-24. Review status: criteria provided, single submitter. Criteria: Ambry Variant Classification Scheme 2023. Collection method: clinical testing. Allele origin: germline.
Comment: The p.K2399N variant (also known as c.7197A>T), located in coding exon 15 of the APC gene, results from an A to T substitution at nucleotide position 7197. The lysine at codon 2399 is replaced by asparagine, an amino acid with similar properties. This amino acid position is conserved. In addition, in silico predictors for this gene do not accurately predict pathogenicity. Based on the available evidence, the clinical significance of this variant remains unclear.

Labcorp Genetics (formerly Invitae), Labcorp
Classification: Uncertain significance for Familial adenomatous polyposis 1. Last evaluated: 2018-10-09. Review status: criteria provided, single submitter. Criteria: Invitae Variant Classification Sherloc (09022015). Collection method: clinical testing. Allele origin: germline.
Comment: This sequence change replaces lysine with asparagine at codon 2399 of the APC protein (p.Lys2399Asn). The lysine residue is highly conserved and there is a moderate physicochemical difference between lysine and asparagine. This variant is not present in population databases (ExAC no frequency). This variant has not been reported in the literature in individuals with APC-related disease. Algorithms developed to predict the effect of missense changes on protein structure and function (SIFT, PolyPhen-2, Align-GVGD) all suggest that this variant is likely to be disruptive, but these predictions have not been confirmed by published functional studies and their clinical significance is uncertain. In summary, the available evidence is currently insufficient to determine the role of this variant in disease. Therefore, it has been classified as a Variant of Uncertain Significance.